The following is an entry in ClinVar:

NM_001458.5(FLNC):c.1979C>T (p.Pro660Leu)

Gene: FLNC (filamin C; plus strand). Cytogenetic location: 7q32.1.
Variant type: single nucleotide variant.
Coding change: c.1979C>T on transcript NM_001458.5 (MANE Select); coding-DNA position 1979, C replaced by T.
Protein change: p.Pro660Leu; replaces proline 660 with leucine.
Molecular consequence: missense variant.
Genome position (GRCh38, 1-based): chr7:128,841,335, C>T. VCF-style: chr7-128841335-C-T. GRCh37 (hg19) VCF-style: chr7-128481389-C-T.
Other names: c.1979C>T, p.Pro660Leu (NM_001127487.2); short protein forms P660L.
Identifiers: ClinVar variation 1411232 (VCV001411232.9), dbSNP rs775292418, ClinGen allele CA4474542.

ClinVar aggregate classification (germline): Uncertain significance. Review status: criteria provided, multiple submitters, no conflicts (2 of 4 stars). 2 submissions from 2 submitters: Uncertain significance (2). Last evaluated 2025-10-13.

Conditions:
Cardiovascular phenotype. Identifiers: MedGen CN230736.
Distal myopathy with posterior leg and anterior hand involvement. Also called: WILLIAMS DISTAL MYOPATHY. Identifiers: Orphanet 63273, MedGen C3279722, MONDO:0013550, OMIM 614065.
Hypertrophic cardiomyopathy 26. Also called: Cardiomyopathy, familial hypertrophic, 26. Identifiers: Orphanet 75249, MedGen C4310749, MONDO:0014883, OMIM 617047.
Myofibrillar myopathy 5. Also called: Filaminopathy (type); FILAMINOPATHY, AUTOSOMAL DOMINANT. Identifiers: Orphanet 171445, MedGen C1836050, MONDO:0012289, OMIM 609524.

Allele frequency attached by ClinVar (database versions not stated): gnomAD exomes below 0.00001; ExAC 0.00001; gnomAD 0.00001; TOPMed 0.00001.
gnomAD v4.1: 2 of 1,613,930 alleles (0.00012%); highest among the groups gnomAD compares: Admixed American, 0.0033%; no homozygotes.

Submissions (2):

Labcorp Genetics (formerly Invitae), Labcorp
Classification: Uncertain significance for Distal myopathy with posterior leg and anterior hand involvement; Myofibrillar myopathy 5; Hypertrophic cardiomyopathy 26. Last evaluated: 2025-10-13. Review status: criteria provided, single submitter. Criteria: Invitae Variant Classification Sherloc (09022015). Collection method: clinical testing. Allele origin: germline.
Comment: This sequence change replaces proline, which is neutral and non-polar, with leucine, which is neutral and non-polar, at codon 660 of the FLNC protein (p.Pro660Leu). The frequency data for this variant in the population databases is considered unreliable, as metrics indicate poor data quality at this position in the gnomAD database. This variant has not been reported in the literature in individuals affected with FLNC-related conditions. ClinVar contains an entry for this variant (Variation ID: 1411232). Invitae Evidence Modeling of protein sequence and biophysical properties (such as structural, functional, and spatial information, amino acid conservation, physicochemical variation, residue mobility, and thermodynamic stability) has been performed for this missense variant. However, the output from this modeling did not meet the statistical confidence thresholds required to predict the impact of this variant on FLNC protein function. In summary, the available evidence is currently insufficient to determine the role of this variant in disease. Therefore, it has been classified as a Variant of Uncertain Significance.

Ambry Genetics
Classification: Uncertain significance for Cardiovascular phenotype. Last evaluated: 2025-03-10. Review status: criteria provided, single submitter. Criteria: Ambry Variant Classification Scheme 2023. Collection method: clinical testing. Allele origin: germline.